The following is an entry in ClinVar:

ClinVar aggregate classification (germline): Uncertain significance. Review status: criteria provided, multiple submitters, no conflicts (2 of 4 stars). 2 submissions from 2 submitters: Uncertain significance (2). Last evaluated 2024-05-15.

Allele frequency attached by ClinVar (database versions not stated): gnomAD exomes 0.00001 and 0.00002; ExAC 0.00002; gnomAD 0.00002; TOPMed 0.00002.
gnomAD v4.1: 13 of 1,525,562 alleles (0.00085%); highest among the groups gnomAD compares: African/African-American, 0.0028%; no homozygotes.

Submissions (2):

Labcorp Genetics (formerly Invitae), Labcorp
Classification: Uncertain significance. Last evaluated: 2024-05-15. Review status: criteria provided, single submitter. Criteria: Invitae Variant Classification Sherloc (09022015). Collection method: clinical testing. Allele origin: germline.
Comment: This sequence change replaces valine, which is neutral and non-polar, with alanine, which is neutral and non-polar, at codon 24 of the RUSC2 protein (p.Val24Ala). This variant is present in population databases (rs764969982, gnomAD 0.005%). This variant has not been reported in the literature in individuals affected with RUSC2-related conditions. ClinVar contains an entry for this variant (Variation ID: 1483782). An algorithm developed to predict the effect of missense changes on protein structure and function (PolyPhen-2) suggests that this variant is likely to be disruptive. In summary, the available evidence is currently insufficient to determine the role of this variant in disease. Therefore, it has been classified as a Variant of Uncertain Significance.

Ambry Genetics
Classification: Uncertain significance. Last evaluated: 2021-10-12. Review status: criteria provided, single submitter. Criteria: Ambry Variant Classification Scheme 2023. Collection method: clinical testing. Allele origin: germline.

NM_014806.5(RUSC2):c.71T>C (p.Val24Ala)

Gene: RUSC2 (RUN and SH3 domain containing 2; plus strand). Cytogenetic location: 9p13.3.
Variant type: single nucleotide variant.
Coding change: c.71T>C on transcript NM_014806.5 (MANE Select); coding-DNA position 71, T replaced by C.
Protein change: p.Val24Ala; replaces valine 24 with alanine.
Molecular consequence: missense variant. On other transcripts: non-coding transcript variant (1), intron variant (1).
Genome position (GRCh38, 1-based): chr9:35,546,592, T>C. VCF-style: chr9-35546592-T-C. GRCh37 (hg19) VCF-style: chr9-35546589-T-C.
Other names: c.71T>C, p.Val24Ala (NM_001135999.2); c.-620-8468T>C (NM_001330740.2); c.71T>C (NM_001135999.1); short protein forms V24A.
Identifiers: ClinVar variation 1483782 (VCV001483782.10), dbSNP rs764969982, ClinGen allele CA5043394.
Genomic context (GRCh38, chr9:35,546,592, plus strand): 5'-CCCCAAAGCTGACTGGAGAGACCCTCATCGTTCATCACATCCCCCTGGTGCACTGCCAAG[T>C]CCCAGACAGGCAGTGCTGTGGAGGGGCAGGTGGAGGTGGTGGGAGCACAAGACCTAATCC-3'
Protein context (NP_055621.2, residues 14-34): VHHIPLVHCQ[Val24Ala]PDRQCCGGAG